The following is an entry in ClinVar:

ClinVar aggregate classification (germline): Uncertain significance (1 of 4 stars; one submission).

Submission:

Labcorp Genetics (formerly Invitae), Labcorp
Classification: Uncertain significance. Last evaluated: 2021-12-02. Review status: criteria provided, single submitter. Criteria: Invitae Variant Classification Sherloc (09022015). Collection method: clinical testing. Allele origin: germline.
Comment: In summary, the available evidence is currently insufficient to determine the role of this variant in disease. Therefore, it has been classified as a Variant of Uncertain Significance. Advanced modeling of protein sequence and biophysical properties (such as structural, functional, and spatial information, amino acid conservation, physicochemical variation, residue mobility, and thermodynamic stability) performed at Invitae indicates that this missense variant is not expected to disrupt DARS2 protein function. This variant has not been reported in the literature in individuals affected with DARS2-related conditions. This variant is not present in population databases (gnomAD no frequency). This sequence change replaces glutamic acid, which is acidic and polar, with aspartic acid, which is acidic and polar, at codon 496 of the DARS2 protein (p.Glu496Asp).

NM_018122.5(DARS2):c.1488G>T (p.Glu496Asp)

Gene: DARS2 (aspartyl-tRNA synthetase 2, mitochondrial; plus strand). Cytogenetic location: 1q25.1.
Variant type: single nucleotide variant.
Coding change: c.1488G>T on transcript NM_018122.5 (MANE Select); coding-DNA position 1488, G replaced by T.
Protein change: p.Glu496Asp; replaces glutamic acid 496 with aspartic acid.
Molecular consequence: missense variant.
Genome position (GRCh38, 1-based): chr1:173,853,492, G>T. VCF-style: chr1-173853492-G-T. GRCh37 (hg19) VCF-style: chr1-173822630-G-T.
Other names: c.1335G>T, p.Glu445Asp (NM_001365212.1); short protein forms E445D, E496D.
Identifiers: ClinVar variation 1478314 (VCV001478314.6), dbSNP rs907493403, ClinGen allele CA32783131.
Genomic context (GRCh38, chr1:173,853,492, plus strand): 5'-CTCTTTCCTTTGGGTGGTAGATTTCCCACTCTTCCTGCCCAAGGAGGAAAATCCCAGAGA[G>T]CTGGAATCGGCCCACCACCCATTTACTGCTCCCCACCCCAGTGACATACATCTCCTGTAC-3'
Protein context (NP_060592.2, residues 486-506): LFLPKEENPR[Glu496Asp]LESAHHPFTA